The following is an entry in ClinVar:

NM_004370.6(COL12A1):c.7853C>T (p.Thr2618Met)

Gene: COL12A1 (collagen type XII alpha 1 chain; minus strand). Cytogenetic location: 6q13.
Variant type: single nucleotide variant.
Coding change: c.7853C>T on transcript NM_004370.6 (MANE Select); coding-DNA position 7853, C replaced by T.
Protein change: p.Thr2618Met; replaces threonine 2618 with methionine.
Molecular consequence: missense variant.
Genome position (GRCh38, 1-based): chr6:75,113,301, G>A on the plus strand (C>T on the coding strand, the complement: COL12A1 is on the minus strand). VCF-style: chr6-75113301-G-A. GRCh37 (hg19) VCF-style: chr6-75823017-G-A.
Other names: p.Thr2618Met; c.4361C>T, p.Thr1454Met (NM_080645.3); short protein forms T2618M, T1454M.
Identifiers: ClinVar variation 425388 (VCV000425388.69), dbSNP rs201988277, ClinGen allele CA3892440.

ClinVar aggregate classification (germline): Conflicting classifications of pathogenicity. Review status: criteria provided, conflicting classifications (1 of 4 stars). 7 submissions from 7 submitters: Uncertain significance (6); Likely benign (1). Last evaluated 2026-09-24.

Conditions:
Ullrich congenital muscular dystrophy 2 (UCMD2). Identifiers: Orphanet 75840, MedGen C4225314, MONDO:0014654, OMIM 616470.
Bethlem myopathy 2 (BTHLM2). Identifiers: Orphanet 536516, Orphanet 610, MedGen C4225313, MONDO:0034022, OMIM 616471.
COL12A1-related disorder. Also called: COL12A1-related condition.

Allele frequency attached by ClinVar (database versions not stated): 1000 Genomes Project 30x 0.00016; 1000 Genomes Project 0.00020; TOPMed 0.00020; ExAC 0.00028; gnomAD 0.00030 and 0.00033; ESP Exome Variant Server 0.00034.
gnomAD v4.1: 610 of 1,547,796 alleles (0.039%); highest among the groups gnomAD compares: Non-Finnish European, 0.046%; no homozygotes.

Submissions (7):

GeneDx
Classification: Uncertain significance. Last evaluated: 2026-09-24. Review status: criteria provided, single submitter. Criteria: GeneDx Variant Classification Process June 2021. Collection method: clinical testing. Allele origin: germline.
Comment: Reported in a patient with clinical features of Ehlers-Danlos syndrome in the published literature (PMID: 36421793); In silico analysis supports that this missense variant has a deleterious effect on protein structure/function; This variant is associated with the following publications: (PMID: 32214361, 36421793)

CeGaT Center for Human Genetics Tuebingen
Classification: Uncertain significance. Last evaluated: 2026-07-01. Review status: criteria provided, single submitter. Criteria: CeGaT Center For Human Genetics Tuebingen Variant Classification Criteria Version 2. Collection method: clinical testing. Allele origin: germline. Affected: yes. Observed: 7 variant alleles.

Women's Health and Genetics/Laboratory Corporation of America, LabCorp
Classification: Uncertain significance. Last evaluated: 2026-04-24. Review status: criteria provided, single submitter. Criteria: LabCorp Variant Classification Summary - May 2015. Collection method: clinical testing. Allele origin: germline.
Comment: Variant summary: COL12A1 c.7853C>T (p.Thr2618Met) results in a non-conservative amino acid change located in the Thrombospondin-like, N-terminal domain (IPR048287) of the encoded protein sequence. Algorithms developed to predict the effect of missense changes on protein structure and function are either unavailable or do not agree on the potential impact of this missense change. The variant allele was found at a frequency of 0.0003 in 206788 control chromosomes (gnomAD). This frequency is not significantly higher than estimated for a pathogenic variant in COL12A1 causing Ullrich congenital muscular dystrophy 2 (0.0003 vs 0.0035), allowing no conclusion about variant significance. c c.7853C>T has been observed in the heterozygous state in an individual with clinical features of Ehlers-Danlos syndrome and other comorbidities who underwent WGS, and it has been reported as a VUS in a setting of multigene panel testing in an individual with cervical insufficiency (e.g. Volozonoka_2020, Tejada-Moreno_2022). These reports do not provide unequivocal conclusions about association of the variant with Ullrich congenital muscular dystrophy 2. To our knowledge, no experimental evidence demonstrating an impact on protein function has been reported. The following publications have been ascertained in the context of this evaluation (PMID: 36421793, 32214361). ClinVar contains an entry for this variant (Variation ID: 425388). Based on the evidence outlined above, the variant was classified as uncertain significance.

Labcorp Genetics (formerly Invitae), Labcorp
Classification: Likely benign for Bethlem myopathy 2; Ullrich congenital muscular dystrophy 2. Last evaluated: 2026-01-26. Review status: criteria provided, single submitter. Criteria: Invitae Variant Classification Sherloc (09022015). Collection method: clinical testing. Allele origin: germline.

PreventionGenetics, part of Exact Sciences
Classification: Uncertain significance for COL12A1-related condition. Last evaluated: 2025-06-20. Review status: criteria provided, single submitter. Criteria: ACMG Guidelines, 2015. Collection method: clinical testing. Allele origin: germline.
Comment: The COL12A1 c.7853C>T variant is predicted to result in the amino acid substitution p.Thr2618Met. This variant has been reported in the heterozygous state in an individual with a clinical diagnosis of Ehlers-Danlos syndrome (EDS) (Fajardo-Jiménez et al. 2022. PubMed ID: 36421793). This variant has also been observed, along with another missense COL1A1 variant, in an individual from a cohort of patients with clinical presentation of cervical insufficiency (both reported as variants of uncertain clinical significance in case 5, Volozonoka et al. 2020. PubMed ID: 32214361). This variant is reported in 0.098% of alleles in individuals of European (Finnish) descent in gnomAD, which is likely too frequent to be a primary cause of disease. Although we suspect that this variant may be benign, at this time, the clinical significance of this variant is uncertain due to the absence of conclusive functional and genetic evidence.

Mayo Clinic Laboratories, Mayo Clinic
Classification: Uncertain significance. Last evaluated: 2024-12-26. Review status: criteria provided, single submitter. Criteria: ACMG Guidelines, 2015. Collection method: clinical testing. Allele origin: germline. Observed: 6 variant alleles.
Comment: BS1, BP4

Revvity Omics, Revvity
Classification: Uncertain significance. Last evaluated: 2022-09-22. Review status: criteria provided, single submitter. Criteria: ACMG Guidelines, 2015. Collection method: clinical testing. Allele origin: germline.

Literature cited by the submitters: PubMed 32214361 (cited by Women's Health and Genetics/Laboratory Corporation of America, LabCorp and Mayo Clinic Laboratories, Mayo Clinic); PubMed 36421793 (cited by Women's Health and Genetics/Laboratory Corporation of America, LabCorp and Mayo Clinic Laboratories, Mayo Clinic).